The following is an entry in ClinVar:

ClinVar aggregate classification (germline): Uncertain significance. Review status: criteria provided, multiple submitters, no conflicts (2 of 4 stars). 2 submissions from 2 submitters: Uncertain significance (2). Last evaluated 2021-01-14.

Conditions:
Perlman syndrome (PRLMNS). Identifiers: Orphanet 2849, MedGen C0796113, MONDO:0009965, OMIM 267000.

Allele frequency attached by ClinVar (database versions not stated): TOPMed below 0.00001; gnomAD exomes 0.00001.
gnomAD v4.1: 3 of 1,602,714 alleles (0.00019%); highest among the groups gnomAD compares: Non-Finnish European, 0.00026%; no homozygotes.

Submissions (2):

Labcorp Genetics (formerly Invitae), Labcorp
Classification: Uncertain significance for Perlman syndrome. Last evaluated: 2021-01-14. Review status: criteria provided, single submitter. Criteria: Invitae Variant Classification Sherloc (09022015). Collection method: clinical testing. Allele origin: germline.
Comment: In summary, the available evidence is currently insufficient to determine the role of this variant in disease. Therefore, it has been classified as a Variant of Uncertain Significance. Algorithms developed to predict the effect of missense changes on protein structure and function do not agree on the potential impact of this missense change (SIFT: "Tolerated"; PolyPhen-2: "Probably Damaging"; Align-GVGD: "Class C0"). This variant has not been reported in the literature in individuals with DIS3L2-related disease. This variant is not present in population databases (ExAC no frequency). This sequence change replaces arginine with lysine at codon 74 of the DIS3L2 protein (p.Arg74Lys). The arginine residue is highly conserved and there is a small physicochemical difference between arginine and lysine.

Illumina Laboratory Services, Illumina
Classification: Uncertain significance for Perlman syndrome. Last evaluated: 2018-01-12. Review status: criteria provided, single submitter. Criteria: ICSL Variant Classification Criteria 13 December 2019. Collection method: clinical testing. Allele origin: germline.

NM_152383.5(DIS3L2):c.221G>A (p.Arg74Lys)

Gene: DIS3L2 (DIS3 like 3'-5' exoribonuclease 2; plus strand). Cytogenetic location: 2q37.1.
Variant type: single nucleotide variant.
Coding change: c.221G>A on transcript NM_152383.5 (MANE Select); coding-DNA position 221, G replaced by A.
Protein change: p.Arg74Lys; replaces arginine 74 with lysine.
Molecular consequence: missense variant. On other transcripts: non-coding transcript variant (2).
Genome position (GRCh38, 1-based): chr2:232,024,287, G>A. VCF-style: chr2-232024287-G-A. GRCh37 (hg19) VCF-style: chr2-232888997-G-A.
Other names: c.221G>A, p.Arg74Lys (NM_001257281.2, NM_001257282.2); short protein forms R74K.
Identifiers: ClinVar variation 896902 (VCV000896902.13), dbSNP rs893912059, ClinGen allele CA67500148.